The following is an entry in ClinVar:

ClinVar aggregate classification (germline): Uncertain significance (1 of 4 stars; one submission).

Conditions:
Familial cancer of breast. Also called: BREAST CANCER, FAMILIAL; hereditary breast carcinoma; Hereditary breast cancer. Identifiers: Orphanet 227535, MedGen C0346153, MONDO:0016419, OMIM 114480. Disease mechanism: loss of function.

Submission:

Labcorp Genetics (formerly Invitae), Labcorp
Classification: Uncertain significance for Familial cancer of breast. Last evaluated: 2017-05-02. Review status: criteria provided, single submitter. Criteria: Invitae Variant Classification Sherloc (09022015). Collection method: clinical testing. Allele origin: germline.
Comment: In summary, this variant is a novel missense change with uncertain impact on protein function. It has been classified as a Variant of Uncertain Significance. Algorithms developed to predict the effect of missense changes on protein structure and function do not agree on the potential impact of this missense change (SIFT: "Deleterious"; PolyPhen-2: "Possibly Damaging"; Align-GVGD: "Class C0"). This variant is not present in population databases (ExAC no frequency) and has not been reported in the literature in individuals with a CHEK2-related disease. This sequence change replaces glutamic acid with glutamine at codon 528 of the CHEK2 protein (p.Glu528Gln). The glutamic acid residue is highly conserved and there is a small physicochemical difference between glutamic acid and glutamine.

NM_007194.4(CHEK2):c.1582G>C (p.Glu528Gln)

Gene: CHEK2 (checkpoint kinase 2; minus strand). Cytogenetic location: 22q12.1.
Variant type: single nucleotide variant.
Coding change: c.1582G>C on transcript NM_007194.4 (MANE Select); coding-DNA position 1582, G replaced by C.
Protein change: p.Glu528Gln; replaces glutamic acid 528 with glutamine.
Molecular consequence: missense variant.
Genome position (GRCh38, 1-based): chr22:28,687,947, C>G on the plus strand (G>C on the coding strand, the complement: CHEK2 is on the minus strand). VCF-style: chr22-28687947-C-G. GRCh37 (hg19) VCF-style: chr22-29083935-C-G.
Other names: c.1711G>C, p.Glu571Gln (NM_001005735.3); c.919G>C, p.Glu307Gln (NM_001257387.3); c.1381G>C, p.Glu461Gln (NM_001349956.3); c.1495G>C, p.Glu499Gln (NM_145862.3); short protein forms E528Q, E499Q, E461Q, E571Q, E307Q.
Identifiers: ClinVar variation 460812 (VCV000460812.9), dbSNP rs138040612, ClinGen allele CA411091237.